The following is an entry in ClinVar:

NM_000369.5(TSHR):c.1583G>A (p.Arg528His)

Genes: TSHR-AS1 (TSHR antisense RNA 1; minus strand), TSHR (thyroid stimulating hormone receptor; plus strand). Cytogenetic location: 14q31.1.
Variant type: single nucleotide variant.
Coding change: c.1583G>A on transcript NM_000369.5 (MANE Select); coding-DNA position 1583, G replaced by A.
Protein change: p.Arg528His; replaces arginine 528 with histidine.
Molecular consequence: missense variant.
Genome position (GRCh38, 1-based): chr14:81,143,641, G>A. VCF-style: chr14-81143641-G-A. GRCh37 (hg19) VCF-style: chr14-81609985-G-A.
Other names: short protein forms R528H.
Identifiers: ClinVar variation 887254 (VCV000887254.4), dbSNP rs571893270, ClinGen allele CA7294492.

ClinVar aggregate classification (germline): Uncertain significance. Review status: criteria provided, single submitter (1 of 4 stars). 2 submissions from 1 submitter: Uncertain significance (2). Last evaluated 2017-04-27.

Conditions:
Familial hyperthyroidism due to mutations in TSH receptor. Also called: HYPERTHYROIDISM, CONGENITAL NONAUTOIMMUNE; HYPERTHYROIDISM, NONAUTOIMMUNE, AUTOSOMAL DOMINANT; TOXIC THYROID HYPERPLASIA, AUTOSOMAL DOMINANT. Identifiers: Orphanet 424, MedGen C1836706, MONDO:0012203, OMIM 609152.
Hypothyroidism due to TSH receptor mutations. Also called: Hypothyroidism, congenital, nongoitrous, 1; HYPOTHYROIDISM DUE TO UNRESPONSIVENESS TO THYROTROPIN; HYPOTHYROIDISM, CONGENITAL, DUE TO TSH RESISTANCE; HYPOTHYROIDISM, NONAUTOIMMUNE; THYROID-STIMULATING HORMONE, RESISTANCE TO; TSH RESISTANCE. Identifiers: Orphanet 90673, MedGen C3493776, MONDO:0010142, OMIM 275200.

Allele frequency attached by ClinVar (database versions not stated): gnomAD exomes 0.00003 and 0.00008; ExAC 0.00007; TOPMed 0.00010.

Submissions (2):

Illumina Laboratory Services, Illumina
Classification: Uncertain significance for Hypothyroidism due to TSH receptor mutations. Last evaluated: 2017-04-27. Review status: criteria provided, single submitter. Criteria: ICSL Variant Classification Criteria 13 December 2019. Collection method: clinical testing. Allele origin: germline.

Illumina Laboratory Services, Illumina
Classification: Uncertain significance for Familial hyperthyroidism due to mutations in TSH receptor. Last evaluated: 2017-04-27. Review status: criteria provided, single submitter. Criteria: ICSL Variant Classification Criteria 13 December 2019. Collection method: clinical testing. Allele origin: germline.
Comment: This variant was observed as part of a predisposition screen in an ostensibly healthy population. A literature search was performed for the gene, cDNA change, and amino acid change (where applicable). Publications were found based on this search. However, the evidence from the literature, in combination with allele frequency data from public databases where available, was not sufficient to rule this variant in or out of causing disease. Therefore, this variant is classified as a variant of unknown significance.

Literature cited by the submitters: PubMed 9589634; PubMed 15514085; PubMed 18850313.